The following is an entry in ClinVar:

ClinVar aggregate classification (germline): Uncertain significance. Review status: criteria provided, multiple submitters, no conflicts (2 of 4 stars). 3 submissions from 3 submitters: Uncertain significance (3). Last evaluated 2023-10-20.

Conditions:
Combined immunodeficiency due to LRBA deficiency. Also called: Common variable immunodeficiency 8, with autoimmunity. Identifiers: Orphanet 445018, MedGen C3553512, MONDO:0013863, OMIM 614700.

Allele frequency attached by ClinVar (database versions not stated): gnomAD exomes below 0.00001; ExAC 0.00001; gnomAD 0.00001; TOPMed 0.00001.
gnomAD v4.1: 4 of 1,579,212 alleles (0.00025%); highest among the groups gnomAD compares: Non-Finnish European, 0.00034%; no homozygotes.

Submissions (3):

Blueprint Genetics
Classification: Uncertain significance. Last evaluated: 2023-10-20. Review status: criteria provided, single submitter. Criteria: ACMG Guidelines, 2015. Collection method: clinical testing. Allele origin: germline.

Mayo Clinic Laboratories, Mayo Clinic
Classification: Uncertain significance. Last evaluated: 2023-09-05. Review status: criteria provided, single submitter. Criteria: ACMG Guidelines, 2015. Collection method: clinical testing. Allele origin: germline. Observed: 1 variant allele.
Comment: BP4

Labcorp Genetics (formerly Invitae), Labcorp
Classification: Uncertain significance for Combined immunodeficiency due to LRBA deficiency. Last evaluated: 2022-01-06. Review status: criteria provided, single submitter. Criteria: Invitae Variant Classification Sherloc (09022015). Collection method: clinical testing. Allele origin: germline.
Comment: This sequence change replaces valine, which is neutral and non-polar, with isoleucine, which is neutral and non-polar, at codon 2078 of the LRBA protein (p.Val2078Ile). This variant is present in population databases (rs774088516, gnomAD 0.002%). This variant has not been reported in the literature in individuals affected with LRBA-related conditions. Algorithms developed to predict the effect of missense changes on protein structure and function (SIFT, PolyPhen-2, Align-GVGD) all suggest that this variant is likely to be tolerated. In summary, the available evidence is currently insufficient to determine the role of this variant in disease. Therefore, it has been classified as a Variant of Uncertain Significance.

NM_001364905.1(LRBA):c.6199G>A (p.Val2067Ile)

Gene: LRBA (LPS responsive beige-like anchor protein; minus strand). Cytogenetic location: 4q31.3.
Variant type: single nucleotide variant.
Coding change: c.6199G>A on transcript NM_001364905.1 (MANE Select); coding-DNA position 6199, G replaced by A.
Protein change: p.Val2067Ile; replaces valine 2067 with isoleucine.
Molecular consequence: missense variant.
Genome position (GRCh38, 1-based): chr4:150,588,179, C>T on the plus strand (G>A on the coding strand, the complement: LRBA is on the minus strand). VCF-style: chr4-150588179-C-T. GRCh37 (hg19) VCF-style: chr4-151509331-C-T.
Other names: p.Val2078Ile; c.6199G>A, p.Val2067Ile (NM_001199282.3, NM_001367550.1); c.6232G>A, p.Val2078Ile (NM_006726.5); short protein forms V2067I, V2078I.
Identifiers: ClinVar variation 1959795 (VCV001959795.4), dbSNP rs774088516, ClinGen allele CA3102175.
Genomic context (GRCh38, chr4:150,588,179, plus strand): 5'-AAAGAGTGCCCTTTACTACAACAGAGGGGGCCACAAGCTGAGCTGGTGTGCTCAGGCTAA[C>T]AGGACCTGCCAAAAGGAAAAGACAAGCCACACAAGTTGGAATGACATTTTTCAAAAAATC-3'
Protein context (NP_001351834.1, residues 2057-2077): EKDLENLAGP[Val2067Ile]SLSTPAQLVA